The following is an entry in ClinVar:

NM_019114.5(EPB41L4B):c.389del (p.Phe130fs)

Gene: EPB41L4B (erythrocyte membrane protein band 4.1 like 4B; minus strand). Cytogenetic location: 9q31.3.
Variant type: Deletion.
Coding change: c.389del on transcript NM_019114.5 (MANE Select); coding-DNA position 389, one base deleted (T; older notation c.389delT).
Protein change: p.Phe130fs; shifts the reading frame from phenylalanine 130.
Molecular consequence: frameshift variant.
Genome position (GRCh38, 1-based): chr9:109,279,839, A deleted on the plus strand (T on the coding strand, the reverse complement: EPB41L4B is on the minus strand); the first of 2 consecutive A bases (chr9:109,279,839-109,279,840); deleting either gives the same sequence. VCF-style (leftmost placement, unchanged base first): chr9-109279838-GA-G. GRCh37 (hg19) VCF-style: chr9-112042118-GA-G.
Other names: c.389del, p.Phe130fs (NM_001385623.1, NM_018424.3); short protein forms F130fs.
Identifiers: ClinVar variation 2572282 (VCV002572282.1), dbSNP rs2538811610, ClinGen allele CA2580616286.

ClinVar aggregate classification (germline): Uncertain significance (1 of 4 stars; one submission).

Submission:

Greenwood Genetic Center Diagnostic Laboratories, Greenwood Genetic Center
Classification: Uncertain significance. Last evaluated: 2023-06-20. Review status: criteria provided, single submitter. Criteria: ACMG Guidelines, 2015. Collection method: clinical testing. Allele origin: germline. Affected: yes.
Comment: Gene of Uncertain Significance